The following is an entry in ClinVar:

NM_006059.4(LAMC3):c.3725T>C (p.Val1242Ala)

Gene: LAMC3 (laminin subunit gamma 3; plus strand). Cytogenetic location: 9q34.12.
Variant type: single nucleotide variant.
Coding change: c.3725T>C on transcript NM_006059.4 (MANE Select); coding-DNA position 3725, T replaced by C.
Protein change: p.Val1242Ala; replaces valine 1242 with alanine.
Molecular consequence: missense variant.
Genome position (GRCh38, 1-based): chr9:131,077,282, T>C. VCF-style: chr9-131077282-T-C. GRCh37 (hg19) VCF-style: chr9-133952669-T-C.
Other names: short protein forms V1242A.
Identifiers: ClinVar variation 1378203 (VCV001378203.3), dbSNP rs777576945, ClinGen allele CA5287913.

ClinVar aggregate classification (germline): Uncertain significance (1 of 4 stars; one submission).

Allele frequency attached by ClinVar (database versions not stated): gnomAD exomes below 0.00001 and 0.00002; TOPMed below 0.00001; ExAC 0.00001.

Submission:

Labcorp Genetics (formerly Invitae), Labcorp
Classification: Uncertain significance. Last evaluated: 2022-07-06. Review status: criteria provided, single submitter. Criteria: Invitae Variant Classification Sherloc (09022015). Collection method: clinical testing. Allele origin: germline.
Comment: This sequence change replaces valine, which is neutral and non-polar, with alanine, which is neutral and non-polar, at codon 1242 of the LAMC3 protein (p.Val1242Ala). This variant is present in population databases (rs777576945, gnomAD 0.01%). This variant has not been reported in the literature in individuals affected with LAMC3-related conditions. ClinVar contains an entry for this variant (Variation ID: 1378203). Algorithms developed to predict the effect of missense changes on protein structure and function output the following: SIFT: "Tolerated"; PolyPhen-2: "Benign"; Align-GVGD: "Class C0". The alanine amino acid residue is found in multiple mammalian species, which suggests that this missense change does not adversely affect protein function. In summary, the available evidence is currently insufficient to determine the role of this variant in disease. Therefore, it has been classified as a Variant of Uncertain Significance.